The following is an entry in ClinVar:

ClinVar aggregate classification (germline): Likely benign. Review status: criteria provided, multiple submitters, no conflicts (2 of 4 stars). 2 submissions from 2 submitters: Likely benign (2). Last evaluated 2026-01-14.

Conditions:
TULP1-related disorder. Also called: TULP1-related condition; TULP1-related disorders.

Allele frequency attached by ClinVar (database versions not stated): gnomAD exomes 0.00001; ExAC 0.00002; TOPMed 0.00002.
gnomAD v4.1: 16 of 1,613,740 alleles (0.00099%); highest among the groups gnomAD compares: East Asian, 0.013%; no homozygotes.

Submissions (2):

Labcorp Genetics (formerly Invitae), Labcorp
Classification: Likely benign. Last evaluated: 2026-01-14. Review status: criteria provided, single submitter. Criteria: Invitae Variant Classification Sherloc (09022015). Collection method: clinical testing. Allele origin: germline.

PreventionGenetics, part of Exact Sciences
Classification: Likely benign for TULP1-related condition. Last evaluated: 2025-01-22. Review status: criteria provided, single submitter. Criteria: ACMG Guidelines, 2015. Collection method: clinical testing. Allele origin: germline.
Comment: This variant is classified as likely benign based on ACMG/AMP sequence variant interpretation guidelines (Richards et al. 2015 PMID: 25741868, with internal and published modifications).

NM_003322.6(TULP1):c.719-6G>A

Gene: TULP1 (TUB like protein 1; minus strand). Cytogenetic location: 6p21.31.
Variant type: single nucleotide variant.
Coding change: c.719-6G>A on transcript NM_003322.6 (MANE Select); 6 bases into the intron before coding-DNA position 719, G replaced by A.
Molecular consequence: intron variant.
Genome position (GRCh38, 1-based): chr6:35,509,318, C>T on the plus strand (G>A on the coding strand, the complement: TULP1 is on the minus strand). VCF-style: chr6-35509318-C-T. GRCh37 (hg19) VCF-style: chr6-35477095-C-T.
Other names: c.719-6G>A (NM_003322.5); c.560-6G>A (NM_001289395.2).
Identifiers: ClinVar variation 2915319 (VCV002915319.4), dbSNP rs770678514, ClinGen allele CA3772823.
Genomic context (GRCh38, chr6:35,509,318, plus strand): 5'-ACCGTAGCTGCCTCCTCCTCCTCTTCTTCCTCCTTCCTCGCGCCTTTGGGAGTGCCTGAG[C>T]GTGGAGGGGGAAACAAGGCTGTGAACTCCTCACCCTGGTTTGCAAAGTGCTTCCAACACC-3'